The following is an entry in ClinVar:

NM_003966.3(SEMA5A):c.1858C>T (p.Arg620Cys)

Gene: SEMA5A (semaphorin 5A; minus strand). Cytogenetic location: 5p15.31.
Variant type: single nucleotide variant.
Coding change: c.1858C>T on transcript NM_003966.3 (MANE Select); coding-DNA position 1858, C replaced by T.
Protein change: p.Arg620Cys; replaces arginine 620 with cysteine.
Molecular consequence: missense variant.
Genome position (GRCh38, 1-based): chr5:9,119,065, G>A on the plus strand (C>T on the coding strand, the complement: SEMA5A is on the minus strand). VCF-style: chr5-9119065-G-A. GRCh37 (hg19) VCF-style: chr5-9119177-G-A.
Other names: short protein forms R620C.
Identifiers: ClinVar variation 3053563 (VCV003053563.3), dbSNP rs2477700016, ClinGen allele CA359171247.

ClinVar aggregate classification (germline): Uncertain significance (1 of 4 stars; one submission).

Conditions:
SEMA5A-related disorder. Also called: SEMA5A-related condition.

gnomAD v4.1: 1 of 1,613,560 alleles (0.000062%); highest among the groups gnomAD compares: Non-Finnish European, 0.000085%; no homozygotes.

Submission:

PreventionGenetics, part of Exact Sciences
Classification: Uncertain significance for SEMA5A-related condition. Last evaluated: 2024-10-31. Review status: criteria provided, single submitter. Criteria: ACMG Guidelines, 2015. Collection method: clinical testing. Allele origin: germline.
Comment: The SEMA5A c.1858C>T variant is predicted to result in the amino acid substitution p.Arg620Cys. To our knowledge, this variant has not been reported in the literature or in a large population database (gnomAD), indicating this variant is rare. At this time, the clinical significance of this variant is uncertain due to the absence of conclusive functional and genetic evidence.